The following is an entry in ClinVar:

NM_198859.4(PRICKLE2):c.356G>C (p.Arg119Thr)

Gene: PRICKLE2 (prickle planar cell polarity protein 2; minus strand). Cytogenetic location: 3p14.1.
Variant type: single nucleotide variant.
Coding change: c.356G>C on transcript NM_198859.4 (MANE Select); coding-DNA position 356, G replaced by C.
Protein change: p.Arg119Thr; replaces arginine 119 with threonine.
Molecular consequence: missense variant.
Genome position (GRCh38, 1-based): chr3:64,159,980, C>G on the plus strand (G>C on the coding strand, the complement: PRICKLE2 is on the minus strand). VCF-style: chr3-64159980-C-G. GRCh37 (hg19) VCF-style: chr3-64145656-C-G.
Other names: c.356G>C, p.Arg119Thr (NM_001370528.1); short protein forms R119T.
Identifiers: ClinVar variation 1024472 (VCV001024472.5), dbSNP rs2077705419, ClinGen allele CA353435385.

ClinVar aggregate classification (germline): Uncertain significance (1 of 4 stars; one submission).

Conditions:
Progressive myoclonic epilepsy type 5. Identifiers: Orphanet 402082, MedGen C5190799.

Submission:

Labcorp Genetics (formerly Invitae), Labcorp
Classification: Uncertain significance for Progressive myoclonic epilepsy type 5. Last evaluated: 2022-03-29. Review status: criteria provided, single submitter. Criteria: Invitae Variant Classification Sherloc (09022015). Collection method: clinical testing. Allele origin: germline.
Comment: In summary, the available evidence is currently insufficient to determine the role of this variant in disease. Therefore, it has been classified as a Variant of Uncertain Significance. Algorithms developed to predict the effect of missense changes on protein structure and function (SIFT, PolyPhen-2, Align-GVGD) all suggest that this variant is likely to be disruptive. ClinVar contains an entry for this variant (Variation ID: 1024472). This variant has not been reported in the literature in individuals affected with PRICKLE2-related conditions. This variant is not present in population databases (gnomAD no frequency). This sequence change replaces arginine, which is basic and polar, with threonine, which is neutral and polar, at codon 119 of the PRICKLE2 protein (p.Arg119Thr).